The following is an entry in ClinVar:

ClinVar aggregate classification (germline): Pathogenic. Review status: reviewed by expert panel (3 of 4 stars). 14 submissions from 14 submitters: Pathogenic (1). 13 of the submissions do not count toward it. Last evaluated 2019-06-18.

Conditions:
Breast-ovarian cancer, familial, susceptibility to, 2 (BROVCA2). Also called: BRCA2 Hereditary Breast and Ovarian Cancer. Identifiers: Orphanet 145, MedGen C2675520, MONDO:0012933, OMIM 612555. Disease mechanism: loss of function.
Fanconi anemia complementation group D1. Also called: BRCA2-Related Fanconi Anemia. Identifiers: Orphanet 319462, MedGen C1838457, MONDO:0011584, OMIM 605724.
Medulloblastoma (MDB). Also called: MEDULLOBLASTOMA PREDISPOSITION SYNDROME; Medulloblastoma, somatic. Identifiers: Orphanet 616, MedGen C0025149, MeSH D008527, MONDO:0007959, OMIM 155255, HP:0002885.
Pancreatic cancer, susceptibility to, 2. Identifiers: Orphanet 1333, MedGen C3150546, MONDO:0013235, OMIM 613347.
Glioma susceptibility 3 (GLM3). Also called: Glioblastoma 3. Identifiers: Orphanet 182067, Orphanet 360, MedGen C2751641, MONDO:0013093, OMIM 613029.
Wilms tumor 1 (WT1). Also called: Wilms tumor, somatic. Identifiers: Orphanet 654, MedGen CN033288, MONDO:0008679, OMIM 194070.
Familial cancer of breast. Also called: hereditary breast carcinoma; BREAST CANCER, FAMILIAL; Hereditary breast cancer. Identifiers: Orphanet 227535, MedGen C0346153, MONDO:0016419, OMIM 114480. Disease mechanism: loss of function.
Prostate cancer. Also called: Malignant tumor of prostate. Identifiers: Orphanet 1331, MedGen C0376358, MONDO:0008315, HP:0012125.
Hereditary cancer-predisposing syndrome. Also called: Hereditary Cancer Syndrome; Neoplastic Syndromes, Hereditary; Hereditary neoplastic syndrome; Tumor predisposition. Identifiers: Orphanet 140162, MedGen C0027672, MeSH D009386, MONDO:0015356.
Hereditary breast ovarian cancer syndrome. Also called: Hereditary breast and ovarian cancer syndrome; Breast and ovarian cancer; Hereditary breast and ovarian cancer syndrome (HBOC); BRCA1- and BRCA2-Associated Hereditary Breast and Ovarian Cancer; Hereditary breast and/or ovarian cancer syndrome; Hereditary breast and ovarian cancer. Identifiers: Orphanet 145, MedGen C0677776, MeSH D061325, MONDO:0003582. Disease mechanism: loss of function.
Breast-ovarian cancer, familial, susceptibility to, 1 (BROVCA1). Also called: BRCA1 Hereditary Breast and Ovarian Cancer; OVARIAN CANCER, SUSCEPTIBILITY TO. Identifiers: Orphanet 145, MedGen C2676676, MONDO:0011450, OMIM 604370. Disease mechanism: loss of function.

Allele frequency attached by ClinVar (database versions not stated): gnomAD exomes below 0.00001.
gnomAD v4.1: 1 of 1,613,940 alleles (0.000062%); highest among the groups gnomAD compares: Non-Finnish European, 0.000085%; no homozygotes.

Submissions (14):

Evidence-based Network for the Interpretation of Germline Mutant Alleles (ENIGMA)
Classification: Pathogenic for Breast-ovarian cancer, familial, susceptibility to, 2. Last evaluated: 2019-06-18. Review status: reviewed by expert panel. Criteria: ENIGMA BRCA1/2 Classification Criteria (2017-06-29). Collection method: curation. Allele origin: germline.
Comment: IARC class based on posterior probability from multifactorial likelihood analysis, thresholds for class as per Plon et al. 2008 (PMID: 18951446). Class 5 based on posterior probability = 0.99183

Labcorp Genetics (formerly Invitae), Labcorp
Classification: Pathogenic for Hereditary breast ovarian cancer syndrome. Last evaluated: 2026-01-11. Review status: criteria provided, single submitter. Criteria: Invitae Variant Classification Sherloc (09022015). Collection method: clinical testing. Allele origin: germline. Not counted in ClinVar's aggregate classification.
Comment: This sequence change affects a donor splice site in intron 15 of the BRCA2 gene. RNA analysis indicates that disruption of this splice site induces altered splicing and may result in an absent or altered protein product. This variant is not present in population databases (gnomAD no frequency). Disruption of this splice site has been observed in individual(s) with hereditary breast and/or ovarian cancer (PMID: 18693280, 24156927, 25112434). ClinVar contains an entry for this variant (Variation ID: 52364). Based on a multifactorial likelihood algorithm using genetic, in silico, and/or statistical data, this variant has been determined to have a high probability of being pathogenic (PMID: 31131967). Studies have shown that disruption of this splice site alters mRNA splicing and is expected to lead to the loss of protein expression (PMID: 31191615; internal data). For these reasons, this variant has been classified as Pathogenic.

Institute of Immunology and Genetics Kaiserslautern
Classification: Pathogenic for Breast-ovarian cancer, familial, susceptibility to, 1. Last evaluated: 2025-07-31. Review status: criteria provided, single submitter. Criteria: ACMG Guidelines, 2015. Collection method: clinical testing. Allele origin: germline. Affected: no. Not counted in ClinVar's aggregate classification.
Comment: ACMG Criteria: PVS1, PS3, PM2, PP3, PP5_M.

Women's Health and Genetics/Laboratory Corporation of America, LabCorp
Classification: Pathogenic for Hereditary breast ovarian cancer syndrome. Last evaluated: 2024-04-10. Review status: criteria provided, single submitter. Criteria: LabCorp Variant Classification Summary - May 2015. Collection method: clinical testing. Allele origin: germline. Not counted in ClinVar's aggregate classification.
Comment: Variant summary: BRCA2 c.7617+2T>G is located in a canonical splice-site and is predicted to affect mRNA splicing resulting in a significantly altered protein due to either exon skipping, shortening, or inclusion of intronic material. Several computational tools predict a significant impact on normal splicing: Four predict the variant abolishes a 5' splicing donor site. At least one publication reports experimental evidence that this variant affects mRNA splicing (Vreeswijk_2008). The variant was absent in 250476 control chromosomes. c.7617+2T>G has been reported in the literature in individuals affected with Hereditary Breast And Ovarian Cancer Syndrome (e.g. Breeswijk_2008, Tea_2014). These data indicate that the variant is likely to be associated with disease. The following publications have been ascertained in the context of this evaluation (PMID: 24156927, 18693280). ClinVar contains an entry for this variant (Variation ID: 52364). Based on the evidence outlined above, the variant was classified as pathogenic.

Ambry Genetics
Classification: Pathogenic for Hereditary cancer-predisposing syndrome. Last evaluated: 2024-04-01. Review status: criteria provided, single submitter. Criteria: Ambry Variant Classification Scheme 2023. Collection method: clinical testing. Allele origin: germline. Not counted in ClinVar's aggregate classification.
Comment: The c.7617+2T>G intronic pathogenic mutation results from a T to G substitution two nucleotides after coding exon 14 of the BRCA2 gene. This variant was identified in male patients with breast cancer (Vreeswijk MP et al. Hum. Mutat., 2009 Jan;30:107-14; Singer CF et al. Clin. Genet., 2015 Aug;88:187-9). This variant was also identified in a large, worldwide study of BRCA1/2 mutation positive families (Rebbeck TR et al. Hum. Mutat., 2018 05;39:593-620). Additionally, multiple splicing assays have demonstrated that this alteration results in complete skipping of coding exon 14 (designated as exon 15 in the literature) (Vreeswijk MP et al. Hum. Mutat., 2009 Jan;30:107-14; Hendriks G et al. Hum. Mutat., 2014 Nov;35:1382-91; Fraile-Bethencourt E et al. Front Genet, 2019 May;10:503, Ambry internal data). This nucleotide position is highly conserved in available vertebrate species. In silico splice site analysis predicts that this alteration will weaken the native splice donor site. Alterations that disrupt the canonical splice site are expected to cause aberrant splicing, resulting in an abnormal protein or a transcript that is subject to nonsense-mediated mRNA decay. As such, this alteration is classified as a disease-causing mutation.

Color Diagnostics, LLC DBA Color Health
Classification: Pathogenic for Hereditary cancer-predisposing syndrome. Last evaluated: 2023-11-07. Review status: criteria provided, single submitter. Criteria: ACMG Guidelines, 2015. Collection method: clinical testing. Allele origin: germline. Not counted in ClinVar's aggregate classification.
Comment: This variant causes a T to G nucleotide substitution at the +2 position of intron 15 of the BRCA2 gene. Functional RNA studies have shown that this variant causes out-of-frame skipping of exon 15, resulting in a frameshift and premature translation stop signal (PMID: 18693280, 25146914, 31191615). This variant has been reported in male individuals affected with breast and/or prostate cancer (PMID: 18693280, 25146914), and in individuals with a family history of BRCA2-related cancers (PMID: 24156927, 29446198). This variant has been reported in a multifactorial analysis with segregation, tumor pathology, co-occurrence and family history likelihood ratios for pathogenicity of 2.721, 0.809, 1.076 and 1.586, respectively (PMID: 31131967). This variant has not been identified in the general population by the Genome Aggregation Database (gnomAD). Loss of BRCA2 function is a known mechanism of disease. Based on the available evidence, this variant is classified as Pathogenic.

Fulgent Genetics
Classification: Pathogenic for Familial cancer of breast; Medulloblastoma; Familial prostate cancer; Wilms tumor 1; Fanconi anemia complementation group D1; Breast-ovarian cancer, familial, susceptibility to, 2; Glioma susceptibility 3; Pancreatic cancer, susceptibility to, 2. Last evaluated: 2021-08-06. Review status: criteria provided, single submitter. Criteria: ACMG Guidelines, 2015. Collection method: clinical testing. Allele origin: unknown. Not counted in ClinVar's aggregate classification.

Department of Pathology and Molecular Medicine, Queen's University
Classification: Pathogenic for Hereditary breast ovarian cancer syndrome. Last evaluated: 2017-04-20. Review status: criteria provided, single submitter. Criteria: ACMG Guidelines, 2015. Collection method: clinical testing. Allele origin: germline. Study: The Canadian Open Genetics Repository (COGR). Not counted in ClinVar's aggregate classification.

Consortium of Investigators of Modifiers of BRCA1/2 (CIMBA), c/o University of Cambridge
Classification: Pathogenic for Breast-ovarian cancer, familial, susceptibility to, 2. Last evaluated: 2015-10-02. Review status: criteria provided, single submitter. Criteria: CIMBA Mutation Classification guidelines May 2016. Collection method: clinical testing. Allele origin: germline. Not counted in ClinVar's aggregate classification.

Clinical Genetics DNA and cytogenetics Diagnostics Lab, Erasmus MC, Erasmus Medical Center
Classification: Pathogenic for Breast-ovarian cancer, familial, susceptibility to, 2. Last evaluated: 2015-09-21. Review status: criteria provided, single submitter. Criteria: ACGS Guidelines, 2013. Collection method: clinical testing. Allele origin: germline. Affected: yes. Study: VKGL Data-share Consensus. Not counted in ClinVar's aggregate classification.

Breast Cancer Information Core (BIC) (BRCA2)
Classification: Pathogenic for Breast-ovarian cancer, familial 2. Last evaluated: 2010-12-17. Review status: no assertion criteria provided. Collection method: clinical testing. Allele origin: germline. Affected: yes. Observed: 1 variant allele. Not counted in ClinVar's aggregate classification.

Diagnostic Laboratory, Department of Genetics, University Medical Center Groningen
Classification: Pathogenic for Breast-ovarian cancer, familial, susceptibility to, 2. Review status: no assertion criteria provided. Collection method: clinical testing. Allele origin: germline. Affected: yes. Study: VKGL Data-share Consensus. Not counted in ClinVar's aggregate classification.

Genome Diagnostics Laboratory, University Medical Center Utrecht
Classification: Pathogenic. Review status: no assertion criteria provided. Collection method: clinical testing. Allele origin: germline. Affected: yes. Study: VKGL Data-share Consensus. Not counted in ClinVar's aggregate classification.

Joint Genome Diagnostic Labs from Nijmegen and Maastricht, Radboudumc and MUMC+
Classification: Pathogenic. Review status: no assertion criteria provided. Collection method: clinical testing. Allele origin: germline. Affected: yes. Study: VKGL Data-share Consensus. Not counted in ClinVar's aggregate classification.

Literature cited by the submitters: PubMed 31131967 (cited by 3 submitters); PubMed 18693280 (cited by 4 submitters); PubMed 24156927 (cited by 3 submitters); PubMed 25112434 (cited by Labcorp Genetics (formerly Invitae), Labcorp and Ambry Genetics); PubMed 31191615 (cited by 3 submitters); PubMed 25146914 (cited by Ambry Genetics and Color Diagnostics, LLC DBA Color Health); PubMed 29446198 (cited by Ambry Genetics and Color Diagnostics, LLC DBA Color Health).

NM_000059.4(BRCA2):c.7617+2T>G

Gene: BRCA2 (BRCA2 DNA repair associated; plus strand). Cytogenetic location: 13q13.1.
Variant type: single nucleotide variant.
Coding change: c.7617+2T>G on transcript NM_000059.4 (MANE Select); the canonical splice donor site of the intron after coding-DNA position 7617, T replaced by G.
Molecular consequence: splice donor variant.
Genome position (GRCh38, 1-based): chr13:32,356,611, T>G. VCF-style: chr13-32356611-T-G. GRCh37 (hg19) VCF-style: chr13-32930748-T-G.
Other names: IVS15+2T>G; c.7521+2T>G (NM_001406719.1); c.2685+2T>G (NM_001406721.1); c.1200+2T>G (NM_001406722.1); c.7617+2T>G (NM_001406720.1).
Identifiers: ClinVar variation 52364 (VCV000052364.27), dbSNP rs81002843, ClinGen allele CA025184.